The following is an entry in ClinVar:

ClinVar aggregate classification (germline): Likely benign (0 of 4 stars; one submission).

Conditions:
CD6-related disorder. Also called: CD6-related condition.

Allele frequency attached by ClinVar (database versions not stated): gnomAD exomes 0.00020; 1000 Genomes Project 0.00040; 1000 Genomes Project 30x 0.00047; ExAC 0.00053; ESP Exome Variant Server 0.00132; gnomAD 0.00192; TOPMed 0.00217.
gnomAD v4.1: 588 of 1,610,724 alleles (0.037%); highest among the groups gnomAD compares: African/African-American, 0.71%; 2 homozygotes.

Submission:

PreventionGenetics, part of Exact Sciences
Classification: Likely benign for CD6-related condition. Last evaluated: 2020-07-02. Review status: no assertion criteria provided. Collection method: clinical testing. Allele origin: germline.
Comment: This variant is classified as likely benign based on ACMG/AMP sequence variant interpretation guidelines (Richards et al. 2015 PMID: 25741868, with internal and published modifications).

NM_006725.5(CD6):c.1834T>C (p.Ser612Pro)

Gene: CD6 (CD6 molecule; plus strand). Cytogenetic location: 11q12.2.
Variant type: single nucleotide variant.
Coding change: c.1834T>C on transcript NM_006725.5 (MANE Select); coding-DNA position 1834, T replaced by C.
Protein change: p.Ser612Pro; replaces serine 612 with proline.
Molecular consequence: missense variant. On other transcripts: non-coding transcript variant (1).
Genome position (GRCh38, 1-based): chr11:61,018,010, T>C. VCF-style: chr11-61018010-T-C. GRCh37 (hg19) VCF-style: chr11-60785482-T-C.
Other names: c.1738T>C, p.Ser580Pro (NM_001254750.2); c.1711T>C, p.Ser571Pro (NM_001254751.2); short protein forms S571P, S580P, S612P.
Identifiers: ClinVar variation 3038452 (VCV003038452.2), dbSNP rs140201536, ClinGen allele CA6030328.